The following is an entry in ClinVar:

NM_138927.4(SON):c.985C>T (p.Pro329Ser)

Gene: SON (SON DNA and RNA binding protein; plus strand). Cytogenetic location: 21q22.11.
Variant type: single nucleotide variant.
Coding change: c.985C>T on transcript NM_138927.4 (MANE Select); coding-DNA position 985, C replaced by T.
Protein change: p.Pro329Ser; replaces proline 329 with serine.
Molecular consequence: missense variant. On other transcripts: non-coding transcript variant (1), intron variant (1).
Genome position (GRCh38, 1-based): chr21:33,550,216, C>T. VCF-style: chr21-33550216-C-T. GRCh37 (hg19) VCF-style: chr21-34922522-C-T.
Other names: c.985C>T, p.Pro329Ser (NM_001291411.2, NM_001412133.1, NM_032195.3 and 2 more transcripts); c.244+3837C>T (NM_001291412.3); short protein forms P329S.
Identifiers: ClinVar variation 2916206 (VCV002916206.3), dbSNP rs1008838311, ClinGen allele CA320149763.

ClinVar aggregate classification (germline): Uncertain significance (1 of 4 stars; one submission).

Allele frequency attached by ClinVar (database versions not stated): TOPMed 0.00001; gnomAD 0.00002; gnomAD exomes 0.00004.
gnomAD v4.1: 59 of 1,614,110 alleles (0.0037%); highest among the groups gnomAD compares: Non-Finnish European, 0.0047%; no homozygotes.

Submission:

Labcorp Genetics (formerly Invitae), Labcorp
Classification: Uncertain significance. Last evaluated: 2023-11-16. Review status: criteria provided, single submitter. Criteria: Invitae Variant Classification Sherloc (09022015). Collection method: clinical testing. Allele origin: germline.
Comment: This sequence change replaces proline, which is neutral and non-polar, with serine, which is neutral and polar, at codon 329 of the SON protein (p.Pro329Ser). The frequency data for this variant in the population databases is considered unreliable, as metrics indicate poor data quality at this position in the gnomAD database. This variant has not been reported in the literature in individuals affected with SON-related conditions. An algorithm developed to predict the effect of missense changes on protein structure and function (PolyPhen-2) suggests that this variant is likely to be tolerated. In summary, the available evidence is currently insufficient to determine the role of this variant in disease. Therefore, it has been classified as a Variant of Uncertain Significance.